The following is an entry in ClinVar:

NM_005247.4(FGF3):c.63del (p.Ala23fs)

Genes: FGF3 (fibroblast growth factor 3; minus strand), LOC109115964 (FGF3 5' regulatory region; plus strand). Cytogenetic location: 11q13.3.
Variant type: Deletion.
Coding change: c.63del on transcript NM_005247.4 (MANE Select); coding-DNA position 63, one base deleted (T; older notation c.63delT).
Protein change: p.Ala23fs; shifts the reading frame from alanine 23.
Molecular consequence: frameshift variant.
Genome position (GRCh38, 1-based): chr11:69,818,871, A deleted on the plus strand (T on the coding strand, the reverse complement: FGF3 is on the minus strand). VCF-style (leftmost placement, unchanged base first): chr11-69818870-CA-C. GRCh37 (hg19) VCF-style: chr11-69633638-CA-C.
Other names: short protein forms A23fs.
Identifiers: ClinVar variation 3601129 (VCV003601129.1).

ClinVar aggregate classification (germline): Pathogenic (1 of 4 stars; one submission).

Conditions:
Deafness with labyrinthine aplasia, microtia, and microdontia. Also called: Congenital Deafness with Inner Ear Agenesis, Microtia, and Microdontia; DEAFNESS WITH LAMM; DEAFNESS, CONGENITAL, WITH LABYRINTHINE APLASIA, MICROTIA, AND MICRODONTIA. Identifiers: Orphanet 90024, MedGen C1853144, MONDO:0012541, OMIM 610706.

Submission:

Institute of Rare Diseases, West China Hospital, Sichuan University
Classification: Pathogenic for Deafness with labyrinthine aplasia, microtia, and microdontia. Last evaluated: 2025-01-09. Review status: criteria provided, single submitter. Criteria: ClinGen HL ACMG Specifications v1. Collection method: research. Allele origin: germline. Affected: yes.
Comment: PVS1;PM3_Supporting;PM2_Supporting